The following is an entry in ClinVar:

ClinVar aggregate classification (germline): Benign (1 of 4 stars; one submission).

Allele frequency attached by ClinVar (database versions not stated): gnomAD 0.41326 and 0.42100; TOPMed 0.42100; 1000 Genomes Project 30x 0.49235; 1000 Genomes Project 0.50040.
gnomAD v4.1: 63,855 of 151,890 alleles (42%); highest among the groups gnomAD compares: East Asian, 75%; 13,896 homozygotes.

Submission:

GeneDx
Classification: Benign. Last evaluated: 2018-06-18. Review status: criteria provided, single submitter. Criteria: GeneDx Variant Classification (06012015). Collection method: clinical testing. Allele origin: germline. Affected: yes.
Comment: This variant is considered likely benign or benign based on one or more of the following criteria: it is a conservative change, it occurs at a poorly conserved position in the protein, it is predicted to be benign by multiple in silico algorithms, and/or has population frequency not consistent with disease.

NM_182961.4(SYNE1):c.6541-262C>T

Gene: SYNE1 (spectrin repeat containing nuclear envelope protein 1; minus strand). Cytogenetic location: 6q25.2.
Variant type: single nucleotide variant.
Coding change: c.6541-262C>T on transcript NM_182961.4 (MANE Select); 262 bases into the intron before coding-DNA position 6541, C replaced by T.
Molecular consequence: intron variant.
Genome position (GRCh38, 1-based): chr6:152,407,458, G>A on the plus strand (C>T on the coding strand, the complement: SYNE1 is on the minus strand). VCF-style: chr6-152407458-G-A. GRCh37 (hg19) VCF-style: chr6-152728593-G-A.
Other names: c.6562-262C>T (NM_033071.5).
Identifiers: ClinVar variation 683923 (VCV000683923.1), dbSNP rs2746418, ClinGen allele CA150203551.